The following is an entry in ClinVar:

NM_003079.5(SMARCE1):c.29C>T (p.Pro10Leu)

Gene: SMARCE1 (SWI/SNF related BAF chromatin remodeling complex subunit E1; minus strand). Cytogenetic location: 17q21.2.
Variant type: single nucleotide variant.
Coding change: c.29C>T on transcript NM_003079.5 (MANE Select); coding-DNA position 29, C replaced by T.
Protein change: p.Pro10Leu; replaces proline 10 with leucine.
Molecular consequence: missense variant.
Genome position (GRCh38, 1-based): chr17:40,645,598, G>A on the plus strand (C>T on the coding strand, the complement: SMARCE1 is on the minus strand). VCF-style: chr17-40645598-G-A. GRCh37 (hg19) VCF-style: chr17-38801850-G-A.
Other names: short protein forms P10L.
Identifiers: ClinVar variation 2580000 (VCV002580000.2), dbSNP rs2508617539, ClinGen allele CA399370969.
Genomic context (GRCh38, chr17:40,645,598, plus strand): 5'-GAGTTGGCTATTACATTAACAAGAAAATTAAAACTTACTGTTGCAGGAGCTGGGGTGGGA[G>A]GTGGGGCATAAGATGGTCTTTCTGTTTGAAAGAAAATAAATAACTTCTTGTAAACAACTG-3'
Protein context (NP_003070.3, residues 1-20): MSKRPSYAP[Pro10Leu]PTPAPATQMP

ClinVar aggregate classification (germline): Uncertain significance. Review status: criteria provided, multiple submitters, no conflicts (2 of 4 stars). 2 submissions from 2 submitters: Uncertain significance (2). Last evaluated 2026-05-24.

Conditions:
Hereditary cancer-predisposing syndrome. Also called: Neoplastic Syndromes, Hereditary; Tumor predisposition; Hereditary Cancer Syndrome; Hereditary neoplastic syndrome. Identifiers: Orphanet 140162, MedGen C0027672, MeSH D009386, MONDO:0015356.

Submissions (2):

Ambry Genetics
Classification: Uncertain significance for Hereditary cancer-predisposing syndrome. Last evaluated: 2026-05-24. Review status: criteria provided, single submitter. Criteria: Ambry Variant Classification Scheme 2023. Collection method: clinical testing. Allele origin: germline.
Comment: The p.P10L variant (also known as c.29C>T), located in coding exon 2 of the SMARCE1 gene, results from a C to T substitution at nucleotide position 29. The proline at codon 10 is replaced by leucine, an amino acid with similar properties. This amino acid position is conserved. In addition, this alteration is predicted to be tolerated by in silico analysis. Based on the available evidence, the clinical significance of this variant remains unclear.

GeneDx
Classification: Uncertain significance. Last evaluated: 2023-03-10. Review status: criteria provided, single submitter. Criteria: GeneDx Variant Classification Process June 2021. Collection method: clinical testing. Allele origin: germline. Affected: yes.
Comment: Not observed at significant frequency in large population cohorts (gnomAD); In silico analysis supports that this missense variant does not alter protein structure/function; Has not been previously published as pathogenic or benign to our knowledge; This variant is associated with the following publications: (PMID: 19245665)